The following is an entry in ClinVar:

NM_004385.5(VCAN):c.7186A>C (p.Thr2396Pro)

Genes: VCAN (versican; plus strand), VCAN-AS1 (VCAN antisense RNA 1; minus strand). Cytogenetic location: 5q14.3.
Variant type: single nucleotide variant.
Coding change: c.7186A>C on transcript NM_004385.5 (MANE Select); coding-DNA position 7186, A replaced by C.
Protein change: p.Thr2396Pro; replaces threonine 2396 with proline.
Molecular consequence: missense variant. On other transcripts: intron variant (2).
Genome position (GRCh38, 1-based): chr5:83,540,189, A>C. VCF-style: chr5-83540189-A-C. GRCh37 (hg19) VCF-style: chr5-82836008-A-C.
Other names: c.4225A>C, p.Thr1409Pro (NM_001164097.2); c.4004-5348A>C (NM_001164098.2); c.1043-5348A>C (NM_001126336.3); short protein forms T1409P, T2396P.
Identifiers: ClinVar variation 2703742 (VCV002703742.3), dbSNP rs2112446711, ClinGen allele CA360314197.

ClinVar aggregate classification (germline): Uncertain significance (1 of 4 stars; one submission).

Submission:

Labcorp Genetics (formerly Invitae), Labcorp
Classification: Uncertain significance. Last evaluated: 2023-12-17. Review status: criteria provided, single submitter. Criteria: Invitae Variant Classification Sherloc (09022015). Collection method: clinical testing. Allele origin: germline.
Comment: This sequence change replaces threonine, which is neutral and polar, with proline, which is neutral and non-polar, at codon 2396 of the VCAN protein (p.Thr2396Pro). This variant is not present in population databases (gnomAD no frequency). This variant has not been reported in the literature in individuals affected with VCAN-related conditions. An algorithm developed to predict the effect of missense changes on protein structure and function (PolyPhen-2) suggests that this variant is likely to be disruptive. In summary, the available evidence is currently insufficient to determine the role of this variant in disease. Therefore, it has been classified as a Variant of Uncertain Significance.